The following is an entry in ClinVar:

NM_002645.4(PIK3C2A):c.2231+9A>G

Gene: PIK3C2A (phosphatidylinositol-4-phosphate 3-kinase catalytic subunit type 2 alpha; minus strand). Cytogenetic location: 11p15.1.
Variant type: single nucleotide variant.
Coding change: c.2231+9A>G on transcript NM_002645.4 (MANE Select); 9 bases into the intron after coding-DNA position 2231, A replaced by G.
Molecular consequence: intron variant.
Genome position (GRCh38, 1-based): chr11:17,131,907, T>C on the plus strand (A>G on the coding strand, the complement: PIK3C2A is on the minus strand). VCF-style: chr11-17131907-T-C. GRCh37 (hg19) VCF-style: chr11-17153454-T-C.
Other names: c.1091+9A>G (NM_001321380.2); c.2231+9A>G (NM_001386870.1, NM_001321378.2).
Identifiers: ClinVar variation 2200981 (VCV002200981.4), dbSNP rs774021976, ClinGen allele CA5901164.

ClinVar aggregate classification (germline): Uncertain significance (1 of 4 stars; one submission).

Allele frequency attached by ClinVar (database versions not stated): gnomAD exomes 0.00001; ExAC 0.00002.
gnomAD v4.1: 6 of 1,598,858 alleles (0.00038%); highest among the groups gnomAD compares: Admixed American, 0.0089%; no homozygotes.

Submission:

Labcorp Genetics (formerly Invitae), Labcorp
Classification: Uncertain significance. Last evaluated: 2024-10-14. Review status: criteria provided, single submitter. Criteria: Invitae Variant Classification Sherloc (09022015). Collection method: clinical testing. Allele origin: germline.
Comment: This sequence change falls in intron 12 of the PIK3C2A gene. It does not directly change the encoded amino acid sequence of the PIK3C2A protein. This variant is present in population databases (rs774021976, gnomAD 0.02%). This variant has not been reported in the literature in individuals affected with PIK3C2A-related conditions. ClinVar contains an entry for this variant (Variation ID: 2200981). Algorithms developed to predict the effect of sequence changes on RNA splicing suggest that this variant may disrupt the consensus splice site. In summary, the available evidence is currently insufficient to determine the role of this variant in disease. Therefore, it has been classified as a Variant of Uncertain Significance.